The following is an entry in ClinVar:

ClinVar aggregate classification (germline): Likely benign. Review status: criteria provided, single submitter (1 of 4 stars). 2 submissions from 2 submitters: Likely benign (1). 1 of the submissions does not count toward it. Last evaluated 2025-12-23.

Conditions:
LSS-related disorder. Also called: LSS-related condition.

Allele frequency attached by ClinVar (database versions not stated): 1000 Genomes Project 30x 0.00078; 1000 Genomes Project 0.00080; gnomAD 0.00140; TOPMed 0.00147; ExAC 0.00151; ESP Exome Variant Server 0.00161; gnomAD exomes 0.00222.
gnomAD v4.1: 3,417 of 1,613,810 alleles (0.21%); highest among the groups gnomAD compares: Non-Finnish European, 0.26%; 5 homozygotes.

Submissions (2):

Labcorp Genetics (formerly Invitae), Labcorp
Classification: Likely benign. Last evaluated: 2025-12-23. Review status: criteria provided, single submitter. Criteria: Invitae Variant Classification Sherloc (09022015). Collection method: clinical testing. Allele origin: germline.

PreventionGenetics, part of Exact Sciences
Classification: Likely benign for LSS-related condition. Last evaluated: 2022-02-14. Review status: no assertion criteria provided. Collection method: clinical testing. Allele origin: germline. Not counted in ClinVar's aggregate classification.
Comment: This variant is classified as likely benign based on ACMG/AMP sequence variant interpretation guidelines (Richards et al. 2015 PMID: 25741868, with internal and published modifications).

NM_002340.6(LSS):c.346C>T (p.Arg116Cys)

Gene: LSS (lanosterol synthase; minus strand). Cytogenetic location: 21q22.3.
Variant type: single nucleotide variant.
Coding change: c.346C>T on transcript NM_002340.6 (MANE Select); coding-DNA position 346, C replaced by T.
Protein change: p.Arg116Cys; replaces arginine 116 with cysteine.
Molecular consequence: missense variant.
Genome position (GRCh38, 1-based): chr21:46,222,712, G>A on the plus strand (C>T on the coding strand, the complement: LSS is on the minus strand). VCF-style: chr21-46222712-G-A. GRCh37 (hg19) VCF-style: chr21-47642626-G-A.
Other names: c.346C>T, p.Arg116Cys (NM_001001438.3, NM_001145436.2); c.106C>T, p.Arg36Cys (NM_001145437.2); c.346C>T (NM_001001438.2); short protein forms R36C, R116C.
Identifiers: ClinVar variation 2042285 (VCV002042285.6), dbSNP rs139003098, ClinGen allele CA10075507.